The following is an entry in ClinVar:

NM_004628.5(XPC):c.519G>A (p.Ala173=)

Gene: XPC (XPC complex subunit, DNA damage recognition and repair factor; minus strand). Cytogenetic location: 3p25.1.
Variant type: single nucleotide variant.
Coding change: c.519G>A on transcript NM_004628.5 (MANE Select); coding-DNA position 519, G replaced by A.
Protein change: p.Ala173=; no amino-acid change (alanine 173 retained).
Molecular consequence: synonymous variant. On other transcripts: non-coding transcript variant (1), intron variant (1).
Genome position (GRCh38, 1-based): chr3:14,168,274, C>T on the plus strand (G>A on the coding strand, the complement: XPC is on the minus strand). VCF-style: chr3-14168274-C-T. GRCh37 (hg19) VCF-style: chr3-14209774-C-T.
Other names: c.519G>A, p.Ala173= (NM_001354727.2, NM_001354730.2); c.501G>A, p.Ala167= (NM_001354729.2); c.-43-1021G>A (NM_001354726.2).
Identifiers: ClinVar variation 793964 (VCV000793964.28), dbSNP rs749416355, ClinGen allele CA2267690.

ClinVar aggregate classification (germline): Likely benign. Review status: criteria provided, multiple submitters, no conflicts (2 of 4 stars). 2 submissions from 2 submitters: Likely benign (2). Last evaluated 2024-04-01.

Allele frequency attached by ClinVar (database versions not stated): TOPMed 0.00003; gnomAD exomes below 0.00001; ExAC 0.00001; gnomAD 0.00001.
gnomAD v4.1: 6 of 1,612,540 alleles (0.00037%); highest among the groups gnomAD compares: African/African-American, 0.004%; no homozygotes.

Submissions (2):

CeGaT Center for Human Genetics Tuebingen
Classification: Likely benign. Last evaluated: 2024-04-01. Review status: criteria provided, single submitter. Criteria: CeGaT Center For Human Genetics Tuebingen Variant Classification Criteria Version 2. Collection method: clinical testing. Allele origin: germline. Affected: yes. Observed: 1 variant allele.
Comment: XPC: BP4, BP7

Labcorp Genetics (formerly Invitae), Labcorp
Classification: Likely benign. Last evaluated: 2023-10-27. Review status: criteria provided, single submitter. Criteria: Invitae Variant Classification Sherloc (09022015). Collection method: clinical testing. Allele origin: germline.